The following is an entry in ClinVar:

ClinVar aggregate classification (germline): Likely pathogenic (1 of 4 stars; one submission).

Allele frequency attached by ClinVar (database versions not stated): gnomAD exomes below 0.00001.
gnomAD v4.1: 1 of 1,614,104 alleles (0.000062%); highest among the groups gnomAD compares: Non-Finnish European, 0.000085%; no homozygotes.

Submission:

GeneDx
Classification: Likely pathogenic. Last evaluated: 2025-11-24. Review status: criteria provided, single submitter. Criteria: GeneDx Variant Classification Process June 2021. Collection method: clinical testing. Allele origin: germline.
Comment: Not observed at significant frequency in large population cohorts (gnomAD); In silico analysis supports that this missense variant has a deleterious effect on protein structure/function; Has not been previously published as pathogenic or benign to our knowledge

NM_014712.3(SETD1A):c.442G>A (p.Ala148Thr)

Gene: SETD1A (SET domain containing 1A, histone lysine methyltransferase; plus strand). Cytogenetic location: 16p11.2.
Variant type: single nucleotide variant.
Coding change: c.442G>A on transcript NM_014712.3 (MANE Select); coding-DNA position 442, G replaced by A.
Protein change: p.Ala148Thr; replaces alanine 148 with threonine.
Molecular consequence: missense variant.
Genome position (GRCh38, 1-based): chr16:30,961,462, G>A. VCF-style: chr16-30961462-G-A. GRCh37 (hg19) VCF-style: chr16-30972783-G-A.
Other names: short protein forms A148T.
Identifiers: ClinVar variation 2662996 (VCV002662996.2), dbSNP rs2543841848, ClinGen allele CA395648271.